The following is an entry in ClinVar:

ClinVar aggregate classification (germline): Conflicting classifications of pathogenicity. Review status: criteria provided, conflicting classifications (1 of 4 stars). 5 submissions from 3 submitters: Uncertain significance (4); Likely benign (1). Last evaluated 2022-03-10.

Conditions:
Meckel-Gruber syndrome. Also called: Dysencephalia splachnocystica; DYSENCEPHALIA SPLANCHNOCYSTICA; GRUBER SYNDROME. Identifiers: Orphanet 564, MedGen C0265215, MONDO:0018921.
Joubert syndrome. Also called: CEREBELLOPARENCHYMAL DISORDER IV; JOUBERT-BOLTSHAUSER SYNDROME; Familial aplasia of the vermis. Identifiers: Orphanet 475, MedGen C5979921, MONDO:0018772.
Nephronophthisis 8. Identifiers: MedGen CN119610.
Meckel syndrome, type 5 (MKS5). Identifiers: Orphanet 564, MedGen C1969052, MONDO:0012695, OMIM 611561.
Joubert syndrome 7 (JBTS7). Identifiers: Orphanet 220497, MedGen C1969053, MONDO:0012694, OMIM 611560.

Allele frequency attached by ClinVar (database versions not stated): TOPMed below 0.00001; gnomAD exomes 0.00001; ExAC 0.00002.
gnomAD v4.1: 11 of 1,613,372 alleles (0.00068%); highest among the groups gnomAD compares: Middle Eastern, 0.018%; no homozygotes.

Submissions (5):

Labcorp Genetics (formerly Invitae), Labcorp
Classification: Uncertain significance for Joubert syndrome; Meckel-Gruber syndrome. Last evaluated: 2022-03-10. Review status: criteria provided, single submitter. Criteria: Invitae Variant Classification Sherloc (09022015). Collection method: clinical testing. Allele origin: germline.
Comment: This sequence change replaces isoleucine, which is neutral and non-polar, with leucine, which is neutral and non-polar, at codon 1151 of the RPGRIP1L protein (p.Ile1151Leu). This variant is present in population databases (no rsID available, gnomAD 0.002%). This variant has not been reported in the literature in individuals affected with RPGRIP1L-related conditions. ClinVar contains an entry for this variant (Variation ID: 260607). Algorithms developed to predict the effect of missense changes on protein structure and function are either unavailable or do not agree on the potential impact of this missense change (SIFT: "Deleterious"; PolyPhen-2: "Benign"; Align-GVGD: "Class C0"). In summary, the available evidence is currently insufficient to determine the role of this variant in disease. Therefore, it has been classified as a Variant of Uncertain Significance.

Illumina Laboratory Services, Illumina
Classification: Uncertain significance for Joubert syndrome 7. Last evaluated: 2018-01-13. Review status: criteria provided, single submitter. Criteria: ICSL Variant Classification Criteria 13 December 2019. Collection method: clinical testing. Allele origin: germline.

Illumina Laboratory Services, Illumina
Classification: Uncertain significance for Meckel syndrome, type 5. Last evaluated: 2018-01-13. Review status: criteria provided, single submitter. Criteria: ICSL Variant Classification Criteria 13 December 2019. Collection method: clinical testing. Allele origin: germline.

Illumina Laboratory Services, Illumina
Classification: Uncertain significance for Nephronophthisis 8. Last evaluated: 2018-01-13. Review status: criteria provided, single submitter. Criteria: ICSL Variant Classification Criteria 13 December 2019. Collection method: clinical testing. Allele origin: germline.

PreventionGenetics, part of Exact Sciences
Classification: Likely benign. Review status: criteria provided, single submitter. Criteria: ACMG Guidelines, 2015. Collection method: clinical testing. Allele origin: germline.

NM_015272.5(RPGRIP1L):c.3451A>C (p.Ile1151Leu)

Gene: RPGRIP1L (RPGRIP1 like; minus strand). Cytogenetic location: 16q12.2.
Variant type: single nucleotide variant.
Coding change: c.3451A>C on transcript NM_015272.5 (MANE Select); coding-DNA position 3451, A replaced by C.
Protein change: p.Ile1151Leu; replaces isoleucine 1151 with leucine.
Molecular consequence: missense variant.
Genome position (GRCh38, 1-based): chr16:53,619,190, T>G on the plus strand (A>C on the coding strand, the complement: RPGRIP1L is on the minus strand). VCF-style: chr16-53619190-T-G. GRCh37 (hg19) VCF-style: chr16-53653102-T-G.
Other names: c.3211A>C, p.Ile1071Leu (NM_001127897.4); c.3313A>C, p.Ile1105Leu (NM_001308334.3); c.3349A>C, p.Ile1117Leu (NM_001330538.2); short protein forms I1071L, I1151L, I1117L, I1105L.
Identifiers: ClinVar variation 260607 (VCV000260607.8), dbSNP rs886038619, ClinGen allele CA8057277.